The following is an entry in ClinVar:

NM_031935.3(HMCN1):c.1546G>A (p.Val516Ile)

Gene: HMCN1 (hemicentin 1; plus strand). Cytogenetic location: 1q31.1.
Variant type: single nucleotide variant.
Coding change: c.1546G>A on transcript NM_031935.3 (MANE Select); coding-DNA position 1546, G replaced by A.
Protein change: p.Val516Ile; replaces valine 516 with isoleucine.
Molecular consequence: missense variant.
Genome position (GRCh38, 1-based): chr1:185,928,661, G>A. VCF-style: chr1-185928661-G-A. GRCh37 (hg19) VCF-style: chr1-185897793-G-A.
Other names: c.1546G>A (NM_031935.2); short protein forms V516I.
Identifiers: ClinVar variation 1388247 (VCV001388247.9), dbSNP rs199966462, ClinGen allele CA1291136.

ClinVar aggregate classification (germline): Conflicting classifications of pathogenicity. Review status: criteria provided, conflicting classifications (1 of 4 stars). 3 submissions from 3 submitters: Uncertain significance (1); Likely benign (1). 1 of the submissions does not count toward it. Last evaluated 2026-01-05.

Conditions:
HMCN1-related disorder. Also called: HMCN1-related condition.

Allele frequency attached by ClinVar (database versions not stated): ExAC 0.00012; ESP Exome Variant Server 0.00015; gnomAD exomes 0.00015; gnomAD 0.00016 and 0.00017; TOPMed 0.00020; 1000 Genomes Project 30x 0.00047; 1000 Genomes Project 0.00060.
gnomAD v4.1: 295 of 1,613,140 alleles (0.018%); highest among the groups gnomAD compares: East Asian, 0.074%; 1 homozygote.

Submissions (3):

Labcorp Genetics (formerly Invitae), Labcorp
Classification: Likely benign. Last evaluated: 2026-01-05. Review status: criteria provided, single submitter. Criteria: Invitae Variant Classification Sherloc (09022015). Collection method: clinical testing. Allele origin: germline.

Ambry Genetics
Classification: Uncertain significance. Last evaluated: 2025-01-22. Review status: criteria provided, single submitter. Criteria: Ambry Variant Classification Scheme 2023. Collection method: clinical testing. Allele origin: germline.

PreventionGenetics, part of Exact Sciences
Classification: Likely benign for HMCN1-related condition. Last evaluated: 2024-06-26. Review status: no assertion criteria provided. Collection method: clinical testing. Allele origin: germline. Not counted in ClinVar's aggregate classification.
Comment: This variant is classified as likely benign based on ACMG/AMP sequence variant interpretation guidelines (Richards et al. 2015 PMID: 25741868, with internal and published modifications).